The following is an entry in ClinVar:

ClinVar aggregate classification (germline): Conflicting classifications of pathogenicity. Review status: criteria provided, conflicting classifications (1 of 4 stars). 2 submissions from 2 submitters: Likely pathogenic (1); Uncertain significance (1). Last evaluated 2024-08-27.

Conditions:
Brown-Vialetto-van Laere syndrome 2. Also called: SPINOCEREBELLAR ATAXIA WITH BLINDNESS AND DEAFNESS 2; Riboflavin transporter deficiency type 2. Identifiers: Orphanet 572543, Orphanet 97229, MedGen C3553538, MONDO:0013867, OMIM 614707.

Submissions (2):

Kariminejad - Najmabadi Pathology & Genetics Center
Classification: Likely pathogenic for Brown-Vialetto-van Laere syndrome 2. Last evaluated: 2024-08-27. Review status: criteria provided, single submitter. Criteria: ACMG Guidelines, 2015. Collection method: clinical testing. Allele origin: germline. Inheritance: Autosomal recessive inheritance. Affected: yes.
Comment: [PM2, PM1-Supporting, PM3-Supporting, PP3, PP4]

Revvity Omics, Revvity
Classification: Uncertain significance for Brown-Vialetto-van Laere syndrome 2. Last evaluated: 2023-11-20. Review status: criteria provided, single submitter. Criteria: ACMG Guidelines, 2015. Collection method: clinical testing. Allele origin: germline.

NM_001363118.2(SLC52A2):c.940G>A (p.Val314Met)

Gene: SLC52A2 (solute carrier family 52 member 2; plus strand). Cytogenetic location: 8q24.3.
Variant type: single nucleotide variant.
Coding change: c.940G>A on transcript NM_001363118.2 (MANE Select); coding-DNA position 940, G replaced by A.
Protein change: p.Val314Met; replaces valine 314 with methionine.
Molecular consequence: missense variant. On other transcripts: non-coding transcript variant (1).
Genome position (GRCh38, 1-based): chr8:144,360,432, G>A. VCF-style: chr8-144360432-G-A. GRCh37 (hg19) VCF-style: chr8-145584092-G-A.
Other names: c.940G>A, p.Val314Met (NM_001253815.2, NM_001253816.2, NM_001363120.2 and 2 more transcripts); c.448G>A, p.Val150Met (NM_001363122.2); c.676G>A, p.Val226Met (NM_001410949.1); short protein forms V150M, V226M, V314M.
Identifiers: ClinVar variation 2690028 (VCV002690028.3), dbSNP rs2489047024, ClinGen allele CA372628429.